The following is an entry in ClinVar:

NM_001388308.1(KIF12):c.557G>C (p.Arg186Pro)

Gene: KIF12 (kinesin family member 12; minus strand). Cytogenetic location: 9q32.
Variant type: single nucleotide variant.
Coding change: c.557G>C on transcript NM_001388308.1 (MANE Select); coding-DNA position 557, G replaced by C.
Protein change: p.Arg186Pro; replaces arginine 186 with proline.
Molecular consequence: missense variant.
Genome position (GRCh38, 1-based): chr9:114,097,390, C>G on the plus strand (G>C on the coding strand, the complement: KIF12 is on the minus strand). VCF-style: chr9-114097390-C-G. GRCh37 (hg19) VCF-style: chr9-116859670-C-G.
Other names: c.143G>C, p.Arg48Pro (NM_138424.2); short protein forms R48P, R186P.
Identifiers: ClinVar variation 3863868 (VCV003863868.1).

ClinVar aggregate classification (germline): Uncertain significance (1 of 4 stars; one submission).

Conditions:
Inborn genetic diseases. Identifiers: MedGen C0950123, MeSH D030342.

Submission:

Ambry Genetics
Classification: Uncertain significance for Inborn genetic diseases. Last evaluated: 2025-03-06. Review status: criteria provided, single submitter. Criteria: Ambry Variant Classification Scheme 2023. Collection method: clinical testing. Allele origin: germline.
Comment: The c.143G>C (p.R48P) alteration is located in exon 4 (coding exon 2) of the KIF12 gene. This alteration results from a G to C substitution at nucleotide position 143, causing the arginine (R) at amino acid position 48 to be replaced by a proline (P). This variant was not reported in population-based cohorts in the Genome Aggregation Database (gnomAD). This amino acid position is highly conserved in available vertebrate species. This alteration is predicted to be deleterious by in silico analysis. Based on insufficient or conflicting evidence, the clinical significance of this alteration remains unclear.